The following is an entry in ClinVar:

NM_201384.3(PLEC):c.3384C>T (p.Thr1128=)

Gene: PLEC (plectin; minus strand). Cytogenetic location: 8q24.3.
Variant type: single nucleotide variant.
Coding change: c.3384C>T on transcript NM_201384.3 (MANE Select); coding-DNA position 3384, C replaced by T.
Protein change: p.Thr1128=; no amino-acid change (threonine 1128 retained).
Molecular consequence: synonymous variant.
Genome position (GRCh38, 1-based): chr8:143,927,869, G>A on the plus strand (C>T on the coding strand, the complement: PLEC is on the minus strand). VCF-style: chr8-143927869-G-A. GRCh37 (hg19) VCF-style: chr8-145002037-G-A.
Other names: c.3465C>T, p.Thr1155= (NM_000445.5); c.3342C>T, p.Thr1114= (NM_201378.4); c.3318C>T, p.Thr1106= (NM_201379.3); c.3795C>T, p.Thr1265= (NM_201380.4); c.3288C>T, p.Thr1096= (NM_201381.3); c.3384C>T, p.Thr1128= (NM_201382.4); c.3396C>T, p.Thr1132= (NM_201383.3).
Identifiers: ClinVar variation 514678 (VCV000514678.6), dbSNP rs782032897, ClinGen allele CA463430435.

ClinVar aggregate classification (germline): Likely benign. Review status: criteria provided, multiple submitters, no conflicts (2 of 4 stars). 2 submissions from 2 submitters: Likely benign (2). Last evaluated 2025-02-13.

Conditions:
Epidermolysis bullosa simplex 5C, with pyloric atresia (EBS5C). Also called: PLEC-Related Epidermolysis Bullosa with Pyloric Atresia; Epidermolysis bullosa simplex with pyloric atresia; PLEC1-Related Epidermolysis Bullosa with Pyloric Atresia. Identifiers: Orphanet 158684, MedGen C2677349, MONDO:0012807, OMIM 612138.
Autosomal recessive limb-girdle muscular dystrophy type 2Q (LGMDR17). Also called: MUSCULAR DYSTROPHY, LIMB-GIRDLE, AUTOSOMAL RECESSIVE 17. Identifiers: Orphanet 254361, MedGen C3150989, MONDO:0013390, OMIM 613723.
Epidermolysis bullosa simplex 5B, with muscular dystrophy (EBS5B). Also called: Epidermolysis bullosa simplex with muscular dystrophy; EPIDERMOLYSIS BULLOSA SIMPLEX AND LIMB-GIRDLE MUSCULAR DYSTROPHY. Identifiers: Orphanet 257, MedGen C2931072, MONDO:0009181, OMIM 226670.
Epidermolysis bullosa simplex, Ogna type (EBS5A). Also called: Pidermolysis bullosa simplex 5A, Ogna type; EPIDERMOLYSIS BULLOSA SIMPLEX 5A, OGNA TYPE. Identifiers: Orphanet 79401, MedGen C0432317, MONDO:0007555, OMIM 131950.
Epidermolysis bullosa simplex with nail dystrophy (EBS5D). Identifiers: MedGen C4225309, MONDO:0014661, OMIM 616487.

Allele frequency attached by ClinVar (database versions not stated): TOPMed 0.00002.
gnomAD v4.1: 3 of 1,590,234 alleles (0.00019%); highest among the groups gnomAD compares: South Asian, 0.0023%; no homozygotes.

Submissions (2):

Labcorp Genetics (formerly Invitae), Labcorp
Classification: Likely benign for Autosomal recessive limb-girdle muscular dystrophy type 2Q; Epidermolysis bullosa simplex, Ogna type; Epidermolysis bullosa simplex with nail dystrophy; Epidermolysis bullosa simplex 5C, with pyloric atresia; Epidermolysis bullosa simplex 5B, with muscular dystrophy. Last evaluated: 2025-02-13. Review status: criteria provided, single submitter. Criteria: Invitae Variant Classification Sherloc (09022015). Collection method: clinical testing. Allele origin: germline.

GeneDx
Classification: Likely benign. Last evaluated: 2018-01-19. Review status: criteria provided, single submitter. Criteria: GeneDx Variant Classification (06012015). Collection method: clinical testing. Allele origin: germline. Affected: yes.
Comment: This variant is considered likely benign or benign based on one or more of the following criteria: it is a conservative change, it occurs at a poorly conserved position in the protein, it is predicted to be benign by multiple in silico algorithms, and/or has population frequency not consistent with disease.